The following is an entry in ClinVar:

NM_001369268.1(ACAN):c.6733G>A (p.Gly2245Arg)

Gene: ACAN (aggrecan; plus strand). Cytogenetic location: 15q26.1.
Variant type: single nucleotide variant.
Coding change: c.6733G>A on transcript NM_001369268.1 (MANE Select); coding-DNA position 6733, G replaced by A.
Protein change: p.Gly2245Arg; replaces glycine 2245 with arginine.
Molecular consequence: missense variant.
Genome position (GRCh38, 1-based): chr15:88,859,318, G>A. VCF-style: chr15-88859318-G-A. GRCh37 (hg19) VCF-style: chr15-89402549-G-A.
Other names: c.6733G>A, p.Gly2245Arg (NM_001135.4, NM_001411096.1, NM_001411097.1 and 1 more transcripts); short protein forms G2245R.
Identifiers: ClinVar variation 1712549 (VCV001712549.3), dbSNP rs2505334985, ClinGen allele CA393727862.

ClinVar aggregate classification (germline): Uncertain significance. Review status: criteria provided, multiple submitters, no conflicts (2 of 4 stars). 2 submissions from 2 submitters: Uncertain significance (2). Last evaluated 2023-07-31.

Conditions:
ACAN-related disorder. Also called: ACAN-related condition; ACAN-related disorders.

Submissions (2):

PreventionGenetics, part of Exact Sciences
Classification: Uncertain significance for ACAN-related condition. Last evaluated: 2023-07-31. Review status: criteria provided, single submitter. Criteria: ACMG Guidelines, 2015. Collection method: clinical testing. Allele origin: germline.
Comment: The ACAN c.6733G>A variant is predicted to result in the amino acid substitution p.Gly2245Arg. To our knowledge, this variant has not been reported in the literature or in a large population database, indicating this variant is rare. At this time, the clinical significance of this variant is uncertain due to the absence of conclusive functional and genetic evidence.

GeneDx
Classification: Uncertain significance. Last evaluated: 2022-04-26. Review status: criteria provided, single submitter. Criteria: GeneDx Variant Classification Process June 2021. Collection method: clinical testing. Allele origin: germline. Affected: yes.
Comment: Not observed at significant frequency in large population cohorts (gnomAD); In silico analysis supports that this missense variant has a deleterious effect on protein structure/function; Has not been previously published as pathogenic or benign to our knowledge